The following is an entry in ClinVar:

NM_000263.4(NAGLU):c.1663G>A (p.Ala555Thr)

Gene: NAGLU (N-acetyl-alpha-glucosaminidase; plus strand). Cytogenetic location: 17q21.2.
Variant type: single nucleotide variant.
Coding change: c.1663G>A on transcript NM_000263.4 (MANE Select); coding-DNA position 1663, G replaced by A.
Protein change: p.Ala555Thr; replaces alanine 555 with threonine.
Molecular consequence: missense variant.
Genome position (GRCh38, 1-based): chr17:42,543,669, G>A. VCF-style: chr17-42543669-G-A. GRCh37 (hg19) VCF-style: chr17-40695687-G-A.
Other names: short protein forms A555T.
Identifiers: ClinVar variation 2143932 (VCV002143932.1), dbSNP rs745703132, ClinGen allele CA8577070.
Genomic context (GRCh38, chr17:42,543,669, plus strand): 5'-GATGTGTTTGAGGCCTGGCGGCTGCTGCTCACATCTGCTCCCTCCCTGGCCACCAGCCCC[G>A]CCTTCCGCTACGACCTGCTGGACCTCACTCGGCAGGCAGTGCAGGAGCTGGTCAGCTTGT-3'
Protein context (NP_000254.2, residues 545-565): TSAPSLATSP[Ala555Thr]FRYDLLDLTR

ClinVar aggregate classification (germline): Uncertain significance (1 of 4 stars; one submission).

Conditions:
Charcot-Marie-Tooth disease axonal type 2V. Also called: CHARCOT-MARIE-TOOTH NEUROPATHY, TYPE 2V; CHARCOT-MARIE-TOOTH DISEASE, AXONAL, AUTOSOMAL DOMINANT, TYPE 2V. Identifiers: Orphanet 447964, MedGen C5569050, MONDO:0014665, OMIM 616491.
Mucopolysaccharidosis, MPS-III-B (MPS3B). Also called: N-ACETYL-ALPHA-D-GLUCOSAMINIDASE DEFICIENCY; NAGLU DEFICIENCY; SANFILIPPO SYNDROME B; MPS III B; MUCOPOLYSACCHARIDOSIS, TYPE IIIB; MPS IIIB (Sanfilippo Syndrome Type B). Identifiers: Orphanet 79270, MedGen C0086648, MONDO:0009656, OMIM 252920.

Allele frequency attached by ClinVar (database versions not stated): gnomAD 0.00001; ExAC 0.00014; TOPMed 0.00002.

Submission:

Labcorp Genetics (formerly Invitae), Labcorp
Classification: Uncertain significance for Charcot-Marie-Tooth disease axonal type 2V; Mucopolysaccharidosis, MPS-III-B. Last evaluated: 2022-08-09. Review status: criteria provided, single submitter. Criteria: Invitae Variant Classification Sherloc (09022015). Collection method: clinical testing. Allele origin: germline.
Comment: This sequence change replaces alanine, which is neutral and non-polar, with threonine, which is neutral and polar, at codon 555 of the NAGLU protein (p.Ala555Thr). This variant is present in population databases (rs745703132, gnomAD 0.03%). This variant has not been reported in the literature in individuals affected with NAGLU-related conditions. Advanced modeling of protein sequence and biophysical properties (such as structural, functional, and spatial information, amino acid conservation, physicochemical variation, residue mobility, and thermodynamic stability) performed at Invitae indicates that this missense variant is not expected to disrupt NAGLU protein function. In summary, the available evidence is currently insufficient to determine the role of this variant in disease. Therefore, it has been classified as a Variant of Uncertain Significance.